The following is an entry in ClinVar:

ClinVar aggregate classification (germline): Uncertain significance. Review status: criteria provided, multiple submitters, no conflicts (2 of 4 stars). 2 submissions from 2 submitters: Uncertain significance (2). Last evaluated 2022-07-20.

Allele frequency attached by ClinVar (database versions not stated): TOPMed 0.00001; ExAC 0.00005.
gnomAD v4.1: 20 of 1,551,584 alleles (0.0013%); highest among the groups gnomAD compares: East Asian, 0.0049%; no homozygotes.

Submissions (2):

Ambry Genetics
Classification: Uncertain significance. Last evaluated: 2022-07-20. Review status: criteria provided, single submitter. Criteria: Ambry Variant Classification Scheme 2023. Collection method: clinical testing. Allele origin: germline.

Labcorp Genetics (formerly Invitae), Labcorp
Classification: Uncertain significance. Last evaluated: 2021-01-28. Review status: criteria provided, single submitter. Criteria: Invitae Variant Classification Sherloc (09022015). Collection method: clinical testing. Allele origin: germline.
Comment: This variant has not been reported in the literature in individuals with KPNA7-related conditions. In summary, the available evidence is currently insufficient to determine the role of this variant in disease. Therefore, it has been classified as a Variant of Uncertain Significance. Algorithms developed to predict the effect of missense changes on protein structure and function (SIFT, PolyPhen-2, Align-GVGD) all suggest that this variant is likely to be tolerated, but these predictions have not been confirmed by published functional studies and their clinical significance is uncertain. This variant is present in population databases (rs751194966, ExAC 0.05%). This sequence change replaces arginine with histidine at codon 150 of the KPNA7 protein (p.Arg150His). The arginine residue is moderately conserved and there is a small physicochemical difference between arginine and histidine.

NM_001145715.3(KPNA7):c.449G>A (p.Arg150His)

Gene: KPNA7 (karyopherin subunit alpha 7; minus strand). Cytogenetic location: 7q22.1.
Variant type: single nucleotide variant.
Coding change: c.449G>A on transcript NM_001145715.3 (MANE Select); coding-DNA position 449, G replaced by A.
Protein change: p.Arg150His; replaces arginine 150 with histidine.
Molecular consequence: missense variant.
Genome position (GRCh38, 1-based): chr7:99,195,174, C>T on the plus strand (G>A on the coding strand, the complement: KPNA7 is on the minus strand). VCF-style: chr7-99195174-C-T. GRCh37 (hg19) VCF-style: chr7-98792797-C-T.
Other names: c.449G>A (NM_001145715.1); short protein forms R150H.
Identifiers: ClinVar variation 1444313 (VCV001444313.9), dbSNP rs751194966, ClinGen allele CA4363251.
Genomic context (GRCh38, chr7:99,195,174, plus strand): 5'-ACGTTGGAGGAAGACAGGAGCTCAATCAAGGGCTGGATGGCTCCCCCTTCTACCACGGCA[C>T]GAGTCTGCTCCGAAGTCCCTGAAGCGATGTTGGTCAGGGCCCAGGCAGCCTCAAACTGCA-3'
Protein context (NP_001139187.1, residues 140-160): NIASGTSEQT[Arg150His]AVVEGGAIQP